The following is an entry in ClinVar:

NM_030665.4(RAI1):c.5178A>G (p.Glu1726=)

Gene: RAI1 (retinoic acid induced 1; plus strand). Cytogenetic location: 17p11.2.
Variant type: single nucleotide variant.
Coding change: c.5178A>G on transcript NM_030665.4 (MANE Select); coding-DNA position 5178, A replaced by G.
Protein change: p.Glu1726=; no amino-acid change (glutamic acid 1726 retained).
Molecular consequence: synonymous variant.
Genome position (GRCh38, 1-based): chr17:17,798,126, A>G. VCF-style: chr17-17798126-A-G. GRCh37 (hg19) VCF-style: chr17-17701440-A-G.
Identifiers: ClinVar variation 3353069 (VCV003353069.1).

ClinVar aggregate classification (germline): Likely benign (0 of 4 stars; one submission).

Conditions:
RAI1-related disorder. Also called: RAI1-related condition.

Submission:

PreventionGenetics, part of Exact Sciences
Classification: Likely benign for RAI1-related condition. Last evaluated: 2020-12-04. Review status: no assertion criteria provided. Collection method: clinical testing. Allele origin: germline.
Comment: This variant is classified as likely benign based on ACMG/AMP sequence variant interpretation guidelines (Richards et al. 2015 PMID: 25741868, with internal and published modifications).